The following is an entry in ClinVar:

ClinVar aggregate classification (germline): Likely pathogenic (1 of 4 stars; one submission).

gnomAD v4.1: 2 of 1,614,170 alleles (0.00012%); highest among the groups gnomAD compares: Non-Finnish European, 0.00017%; no homozygotes.

Submission:

Mayo Clinic Laboratories, Mayo Clinic
Classification: Likely pathogenic. Last evaluated: 2025-07-17. Review status: criteria provided, single submitter. Criteria: ACMG Guidelines, 2015. Collection method: clinical testing. Allele origin: germline. Observed: 1 variant allele.
Comment: PP3_moderate, PP4, PM2_supporting, PM5

NM_000155.4(GALT):c.508A>C (p.Ile170Leu)

Gene: GALT (galactose-1-phosphate uridylyltransferase; plus strand). Cytogenetic location: 9p13.3.
Variant type: single nucleotide variant.
Coding change: c.508A>C on transcript NM_000155.4 (MANE Select); coding-DNA position 508, A replaced by C.
Protein change: p.Ile170Leu; replaces isoleucine 170 with leucine.
Molecular consequence: missense variant.
Genome position (GRCh38, 1-based): chr9:34,648,115, A>C. VCF-style: chr9-34648115-A-C. GRCh37 (hg19) VCF-style: chr9-34648112-A-C.
Other names: p.Ile170Leu; c.181A>C, p.Ile61Leu (NM_001258332.2); short protein forms I170L, I61L.
Identifiers: ClinVar variation 4541437 (VCV004541437.1).